The following is an entry in ClinVar:

ClinVar aggregate classification (germline): Pathogenic (1 of 4 stars; one submission).

Conditions:
PRPH2-related disorder. Also called: PRPH2-related condition; PRPH2-related disorders. Identifiers: MedGen CN239395.

Submission:

Labcorp Genetics (formerly Invitae), Labcorp
Classification: Pathogenic for PRPH2-related disorder. Last evaluated: 2024-11-21. Review status: criteria provided, single submitter. Criteria: Invitae Variant Classification Sherloc (09022015). Collection method: clinical testing. Allele origin: germline.
Comment: This sequence change creates a premature translational stop signal (p.Tyr83*) in the PRPH2 gene. It is expected to result in an absent or disrupted protein product. Loss-of-function variants in PRPH2 are known to be pathogenic (PMID: 8111389, 8485575, 8485576, 8675410, 16916875, 17504850, 22863181, 25675413, 26061163, 27365499, 29555955, 33546218). This variant is not present in population databases (gnomAD no frequency). This variant has not been reported in the literature in individuals affected with PRPH2-related conditions. ClinVar contains an entry for this variant (Variation ID: 2023405). For these reasons, this variant has been classified as Pathogenic.

Literature cited by the submitters: PubMed 8111389; PubMed 8485575; PubMed 8485576; PubMed 8675410; PubMed 16916875; PubMed 17504850; PubMed 22863181; PubMed 25675413; PubMed 26061163; PubMed 27365499; PubMed 29555955; PubMed 33546218.

NM_000322.5(PRPH2):c.249C>A (p.Tyr83Ter)

Gene: PRPH2 (peripherin 2; minus strand). Cytogenetic location: 6p21.1.
Variant type: single nucleotide variant.
Coding change: c.249C>A on transcript NM_000322.5 (MANE Select); coding-DNA position 249, C replaced by A.
Protein change: p.Tyr83Ter; replaces tyrosine 83 with a stop codon.
Molecular consequence: nonsense.
Genome position (GRCh38, 1-based): chr6:42,722,086, G>T on the plus strand (C>A on the coding strand, the complement: PRPH2 is on the minus strand). VCF-style: chr6-42722086-G-T. GRCh37 (hg19) VCF-style: chr6-42689824-G-T.
Other names: short protein forms Y83*.
Identifiers: ClinVar variation 2023405 (VCV002023405.4), dbSNP rs61755775, ClinGen allele CA364138134.